The following is an entry in ClinVar:

ClinVar aggregate classification (germline): Conflicting classifications of pathogenicity. Review status: criteria provided, conflicting classifications (1 of 4 stars). 2 submissions from 2 submitters: Uncertain significance (1); Likely benign (1). Last evaluated 2026-03-03.

gnomAD v4.1: 5 of 1,614,064 alleles (0.00031%); highest among the groups gnomAD compares: South Asian, 0.0033%; no homozygotes.

Submissions (2):

GeneDx
Classification: Uncertain significance. Last evaluated: 2026-03-03. Review status: criteria provided, single submitter. Criteria: GeneDx Variant Classification Process June 2021. Collection method: clinical testing. Allele origin: germline.
Comment: Not observed at significant frequency in large population cohorts (gnomAD); In silico analysis suggests that this missense variant does not alter protein structure/function; Has not been previously published as pathogenic or benign to our knowledge

CeGaT Center for Human Genetics Tuebingen
Classification: Likely benign. Last evaluated: 2026-02-01. Review status: criteria provided, single submitter. Criteria: CeGaT Center For Human Genetics Tuebingen Variant Classification Criteria Version 2. Collection method: clinical testing. Allele origin: germline. Affected: yes. Observed: 1 variant allele.
Comment: SLC25A13: BP4

NM_014251.3(SLC25A13):c.1538A>G (p.Asn513Ser)

Gene: SLC25A13 (solute carrier family 25 member 13; minus strand). Cytogenetic location: 7q21.3.
Variant type: single nucleotide variant.
Coding change: c.1538A>G on transcript NM_014251.3 (MANE Select); coding-DNA position 1538, A replaced by G.
Protein change: p.Asn513Ser; replaces asparagine 513 with serine.
Molecular consequence: missense variant. On other transcripts: non-coding transcript variant (1).
Genome position (GRCh38, 1-based): chr7:96,131,796, T>C on the plus strand (A>G on the coding strand, the complement: SLC25A13 is on the minus strand). VCF-style: chr7-96131796-T-C. GRCh37 (hg19) VCF-style: chr7-95761108-T-C.
Other names: c.1541A>G, p.Asn514Ser (NM_001160210.2); c.1538A>G (NM_014251.2); short protein forms N513S, N514S.
Identifiers: ClinVar variation 4823338 (VCV004823338.5).